The following is an entry in ClinVar:

NM_001127222.2(CACNA1A):c.2895G>C (p.Gly965=)

Gene: CACNA1A (calcium voltage-gated channel subunit alpha1 A; minus strand). Cytogenetic location: 19p13.13.
Variant type: single nucleotide variant.
Coding change: c.2895G>C on transcript NM_001127222.2 (MANE Select); coding-DNA position 2895, G replaced by C.
Protein change: p.Gly965=; no amino-acid change (glycine 965 retained).
Molecular consequence: synonymous variant.
Genome position (GRCh38, 1-based): chr19:13,298,738, C>G on the plus strand (G>C on the coding strand, the complement: CACNA1A is on the minus strand). VCF-style: chr19-13298738-C-G. GRCh37 (hg19) VCF-style: chr19-13409552-C-G.
Other names: c.2907G>C, p.Gly969= (NM_000068.4, NM_023035.3); c.2898G>C, p.Gly966= (NM_001127221.2, NM_001174080.2).
Identifiers: ClinVar variation 385054 (VCV000385054.8), dbSNP rs1057522107, ClinGen allele CA16607732.

ClinVar aggregate classification (germline): Likely benign. Review status: criteria provided, multiple submitters, no conflicts (2 of 4 stars). 3 submissions from 3 submitters: Likely benign (3). Last evaluated 2026-04-01.

Conditions:
Developmental and epileptic encephalopathy, 42 (DEE42A). Also called: DEVELOPMENTAL AND EPILEPTIC ENCEPHALOPATHY 42A; EPILEPTIC ENCEPHALOPATHY, EARLY INFANTILE, 42A; Epileptic encephalopathy, early infantile, 42. Identifiers: MedGen C4310716, MONDO:0014917, OMIM 617106.
Episodic ataxia type 2 (EA2). Also called: ATAXIA, EPISODIC, WITH NYSTAGMUS; ATAXIA, FAMILIAL PAROXYSMAL; CEREBELLAR ATAXIA, PAROXYSMAL, ACETAZOLAMIDE-RESPONSIVE; CEREBELLOPATHY, HEREDITARY PAROXYSMAL; ACETAZOLAMIDE-RESPONSIVE HEREDITARY PAROXYSMAL CEREBELLAR ATAXIA; EPISODIC ATAXIA, NYSTAGMUS-ASSOCIATED. Identifiers: Orphanet 97, MedGen C1720416, MONDO:0007163, OMIM 108500.

Allele frequency attached by ClinVar (database versions not stated): gnomAD exomes 0.00003.

Submissions (3):

CeGaT Center for Human Genetics Tuebingen
Classification: Likely benign. Last evaluated: 2026-04-01. Review status: criteria provided, single submitter. Criteria: CeGaT Center For Human Genetics Tuebingen Variant Classification Criteria Version 2. Collection method: clinical testing. Allele origin: germline. Affected: yes. Observed: 1 variant allele.
Comment: CACNA1A: BP4, BP7

Labcorp Genetics (formerly Invitae), Labcorp
Classification: Likely benign for Developmental and epileptic encephalopathy, 42; Episodic ataxia type 2. Last evaluated: 2023-11-02. Review status: criteria provided, single submitter. Criteria: Invitae Variant Classification Sherloc (09022015). Collection method: clinical testing. Allele origin: germline.

GeneDx
Classification: Likely benign. Last evaluated: 2020-10-26. Review status: criteria provided, single submitter. Criteria: GeneDx Variant Classification Process June 2021. Collection method: clinical testing. Allele origin: germline. Affected: yes.